The following is an entry in ClinVar:

ClinVar aggregate classification (germline): Uncertain significance (1 of 4 stars; one submission).

Allele frequency attached by ClinVar (database versions not stated): gnomAD 0.00001.
gnomAD v4.1: 20 of 1,587,632 alleles (0.0013%); highest among the groups gnomAD compares: African/African-American, 0.004%; no homozygotes.

Submission:

Labcorp Genetics (formerly Invitae), Labcorp
Classification: Uncertain significance. Last evaluated: 2021-07-27. Review status: criteria provided, single submitter. Criteria: Invitae Variant Classification Sherloc (09022015). Collection method: clinical testing. Allele origin: germline.
Comment: In summary, the available evidence is currently insufficient to determine the role of this variant in disease. Therefore, it has been classified as a Variant of Uncertain Significance. Nucleotide substitutions within the consensus splice site are a relatively common cause of aberrant splicing (PMID: 17576681, 9536098). Algorithms developed to predict the effect of sequence changes on RNA splicing suggest that this variant may disrupt the consensus splice site. This variant has not been reported in the literature in individuals affected with P3H2-related conditions. This variant is present in population databases (rs749183285, ExAC 0.01%). This sequence change affects codon 396 of the P3H2 mRNA. It is a 'silent' change, meaning that it does not change the encoded amino acid sequence of the P3H2 protein. This variant also falls at the last nucleotide of exon 6, which is part of the consensus splice site for this exon.

Literature cited by the submitters: PubMed 17576681; PubMed 9536098.

NM_018192.4(P3H2):c.1188G>A (p.Pro396=)

Gene: P3H2 (prolyl 3-hydroxylase 2; minus strand). Cytogenetic location: 3q28.
Variant type: single nucleotide variant.
Coding change: c.1188G>A on transcript NM_018192.4 (MANE Select); coding-DNA position 1188, G replaced by A.
Protein change: p.Pro396=; no amino-acid change (proline 396 retained).
Molecular consequence: synonymous variant.
Genome position (GRCh38, 1-based): chr3:189,986,788, C>T on the plus strand (G>A on the coding strand, the complement: P3H2 is on the minus strand). VCF-style: chr3-189986788-C-T. GRCh37 (hg19) VCF-style: chr3-189704577-C-T.
Other names: c.645G>A, p.Pro215= (NM_001134418.2).
Identifiers: ClinVar variation 1407646 (VCV001407646.4), dbSNP rs749183285, ClinGen allele CA2753058.